The following is an entry in ClinVar:

ClinVar aggregate classification (germline): Likely pathogenic (1 of 4 stars; one submission).

Conditions:
Hereditary spastic paraplegia 11. Also called: Spastic paraplegia, mental retardation and thin corpus callosum; SPASTIC PARAPLEGIA, AUTOSOMAL RECESSIVE, COMPLICATED, WITH THIN CORPUS CALLOSUM; SPASTIC PARAPLEGIA, AUTOSOMAL RECESSIVE, WITH MENTAL IMPAIRMENT AND THIN CORPUS CALLOSUM; Spastic Paraplegia 11; Nakamura Osame syndrome; Autosomal recessive hereditary spastic paraplegia, mental impairment, and thin corpus callosum. Identifiers: Orphanet 2822, MedGen C1858479, MONDO:0011445, OMIM 604360.

Allele frequency attached by ClinVar (database versions not stated): gnomAD exomes below 0.00001.
gnomAD v4.1: 1 of 1,613,506 alleles (0.000062%); highest among the groups gnomAD compares: Non-Finnish European, 0.000085%; no homozygotes.

Submissions (2):

Labcorp Genetics (formerly Invitae), Labcorp
Classification: Likely pathogenic for Hereditary spastic paraplegia 11. Last evaluated: 2023-09-22. Review status: criteria provided, single submitter. Criteria: Invitae Variant Classification Sherloc (09022015). Collection method: clinical testing. Allele origin: germline.
Comment: This sequence change affects an acceptor splice site in intron 10 of the SPG11 gene. It is expected to disrupt RNA splicing. Variants that disrupt the donor or acceptor splice site typically lead to a loss of protein function (PMID: 16199547), and loss-of-function variants in SPG11 are known to be pathogenic (PMID: 19105190, 20110243, 22154821, 26556829). This variant is not present in population databases (gnomAD no frequency). This variant has not been reported in the literature in individuals affected with SPG11-related conditions. Algorithms developed to predict the effect of sequence changes on RNA splicing suggest that this variant may disrupt the consensus splice site. In summary, the currently available evidence indicates that the variant is pathogenic, but additional data are needed to prove that conclusively. Therefore, this variant has been classified as Likely Pathogenic.

Dr. Peter K. Rogan Lab, Western University
No classification provided (evidence only). Condition: Adrenocortical carcinoma, hereditary. Review status: no classification provided. Collection method: in vitro. Allele origin: not applicable. Functional consequence: skipped exon. Not counted in ClinVar's aggregate classification.

Literature cited by the submitters: PubMed 16199547 (cited by Labcorp Genetics (formerly Invitae), Labcorp); PubMed 19105190 (cited by Labcorp Genetics (formerly Invitae), Labcorp); PubMed 20110243 (cited by Labcorp Genetics (formerly Invitae), Labcorp); PubMed 22154821 (cited by Labcorp Genetics (formerly Invitae), Labcorp); PubMed 26556829 (cited by Labcorp Genetics (formerly Invitae), Labcorp).

NM_025137.4(SPG11):c.2068-1G>A

Gene: SPG11 (SPG11 vesicle trafficking associated, spatacsin; minus strand). Cytogenetic location: 15q21.1.
Variant type: single nucleotide variant.
Coding change: c.2068-1G>A on transcript NM_025137.4 (MANE Select); the canonical splice acceptor site of the intron before coding-DNA position 2068, G replaced by A.
Molecular consequence: splice acceptor variant.
Genome position (GRCh38, 1-based): chr15:44,626,508, C>T on the plus strand (G>A on the coding strand, the complement: SPG11 is on the minus strand). VCF-style: chr15-44626508-C-T. GRCh37 (hg19) VCF-style: chr15-44918706-C-T.
Other names: c.2068-1G>A (NM_001411132.1, NM_001160227.2).
Identifiers: ClinVar variation 2762759 (VCV002762759.4), dbSNP rs2505582928, ClinGen allele CA392234031.